The following is an entry in ClinVar:

NM_001710.6(CFB):c.658G>C (p.Asp220His)

Gene: CFB (complement factor B; plus strand). Cytogenetic location: 6p21.33.
Variant type: single nucleotide variant.
Coding change: c.658G>C on transcript NM_001710.6 (MANE Select); coding-DNA position 658, G replaced by C.
Protein change: p.Asp220His; replaces aspartic acid 220 with histidine.
Molecular consequence: missense variant.
Genome position (GRCh38, 1-based): chr6:31,947,521, G>C. VCF-style: chr6-31947521-G-C. GRCh37 (hg19) VCF-style: chr6-31915298-G-C.
Other names: short protein forms D220H.
Identifiers: ClinVar variation 1993494 (VCV001993494.4), dbSNP rs2482681417, ClinGen allele CA363394070.

ClinVar aggregate classification (germline): Uncertain significance (1 of 4 stars; one submission).

Submission:

Labcorp Genetics (formerly Invitae), Labcorp
Classification: Uncertain significance. Last evaluated: 2022-10-14. Review status: criteria provided, single submitter. Criteria: Invitae Variant Classification Sherloc (09022015). Collection method: clinical testing. Allele origin: germline.
Comment: In summary, the available evidence is currently insufficient to determine the role of this variant in disease. Therefore, it has been classified as a Variant of Uncertain Significance. Variants that disrupt the consensus splice site are a relatively common cause of aberrant splicing (PMID: 17576681, 9536098). Algorithms developed to predict the effect of sequence changes on RNA splicing suggest that this variant may disrupt the consensus splice site. Algorithms developed to predict the effect of missense changes on protein structure and function (SIFT, PolyPhen-2, Align-GVGD) all suggest that this variant is likely to be tolerated. This variant has not been reported in the literature in individuals affected with CFB-related conditions. This variant is not present in population databases (gnomAD no frequency). This sequence change replaces aspartic acid, which is acidic and polar, with histidine, which is basic and polar, at codon 220 of the CFB protein (p.Asp220His). This variant also falls at the last nucleotide of exon 4, which is part of the consensus splice site for this exon.

Literature cited by the submitters: PubMed 17576681; PubMed 9536098.